The following is an entry in ClinVar:

ClinVar aggregate classification (germline): Uncertain significance (1 of 4 stars; one submission).

gnomAD v4.1: 8 of 1,211,934 alleles (0.00066%); highest among the groups gnomAD compares: Non-Finnish European, 0.00089%; no homozygotes.

Submission:

GeneDx
Classification: Uncertain significance. Last evaluated: 2026-10-08. Review status: criteria provided, single submitter. Criteria: GeneDx Variant Classification Process June 2021. Collection method: clinical testing. Allele origin: germline.
Comment: In silico analysis supports that this missense variant does not alter protein structure/function; Has not been previously published as pathogenic or benign to our knowledge

NM_001318510.2(ACSL4):c.151A>G (p.Lys51Glu)

Gene: ACSL4 (acyl-CoA synthetase long chain family member 4; minus strand). Cytogenetic location: Xq23.
Variant type: single nucleotide variant.
Coding change: c.151A>G on transcript NM_001318510.2 (MANE Select); coding-DNA position 151, A replaced by G.
Protein change: p.Lys51Glu; replaces lysine 51 with glutamic acid.
Molecular consequence: missense variant.
Genome position (GRCh38, 1-based): chrX:109,683,213, T>C on the plus strand (A>G on the coding strand, the complement: ACSL4 is on the minus strand). VCF-style: chrX-109683213-T-C. GRCh37 (hg19) VCF-style: chrX-108926442-T-C.
Other names: c.274A>G, p.Lys92Glu (NM_001318509.2, NM_022977.3); c.151A>G, p.Lys51Glu (NM_004458.3); short protein forms K51E, K92E.
Identifiers: ClinVar variation 3774000 (VCV003774000.2).